The following is an entry in ClinVar:

NM_000393.5(COL5A2):c.911A>G (p.His304Arg)

Gene: COL5A2 (collagen type V alpha 2 chain; minus strand). Cytogenetic location: 2q32.2.
Variant type: single nucleotide variant.
Coding change: c.911A>G on transcript NM_000393.5 (MANE Select); coding-DNA position 911, A replaced by G.
Protein change: p.His304Arg; replaces histidine 304 with arginine.
Molecular consequence: missense variant.
Genome position (GRCh38, 1-based): chr2:189,080,027, T>C on the plus strand (A>G on the coding strand, the complement: COL5A2 is on the minus strand). VCF-style: chr2-189080027-T-C. GRCh37 (hg19) VCF-style: chr2-189944753-T-C.
Other names: short protein forms H304R.
Identifiers: ClinVar variation 1375219 (VCV001375219.8), dbSNP rs1576513195, ClinGen allele CA349856714.

ClinVar aggregate classification (germline): Uncertain significance (1 of 4 stars; one submission).

Conditions:
Ehlers-Danlos syndrome, classic type, 1 (EDSCL1). Also called: EHLERS-DANLOS SYNDROME, GRAVIS TYPE; EHLERS-DANLOS SYNDROME, SEVERE CLASSIC TYPE; Ehlers-Danlos syndrome, type 1; EDS I; Ehlers-Danlos Syndrome, Classic Type, COL5A1-Related. Identifiers: MedGen C0268335, MONDO:0019567, OMIM 130000.

Allele frequency attached by ClinVar (database versions not stated): TOPMed below 0.00001; gnomAD 0.00001.
gnomAD v4.1: 11 of 1,612,054 alleles (0.00068%); highest among the groups gnomAD compares: Non-Finnish European, 0.00093%; no homozygotes.

Submission:

Labcorp Genetics (formerly Invitae), Labcorp
Classification: Uncertain significance for Ehlers-Danlos syndrome, classic type, 1. Last evaluated: 2025-08-16. Review status: criteria provided, single submitter. Criteria: Invitae Variant Classification Sherloc (09022015). Collection method: clinical testing. Allele origin: germline.
Comment: This sequence change replaces histidine, which is basic and polar, with arginine, which is basic and polar, at codon 304 of the COL5A2 protein (p.His304Arg). This variant is not present in population databases (gnomAD no frequency). This variant has not been reported in the literature in individuals affected with COL5A2-related conditions. ClinVar contains an entry for this variant (Variation ID: 1375219). Invitae Evidence Modeling of protein sequence and biophysical properties (such as structural, functional, and spatial information, amino acid conservation, physicochemical variation, residue mobility, and thermodynamic stability) indicates that this missense variant is not expected to disrupt COL5A2 protein function with a negative predictive value of 80%. In summary, the available evidence is currently insufficient to determine the role of this variant in disease. Therefore, it has been classified as a Variant of Uncertain Significance.